The following is an entry in ClinVar:

NM_015331.3(NCSTN):c.112A>G (p.Arg38Gly)

Gene: NCSTN (nicastrin; plus strand). Cytogenetic location: 1q23.2.
Variant type: single nucleotide variant.
Coding change: c.112A>G on transcript NM_015331.3 (MANE Select); coding-DNA position 112, A replaced by G.
Protein change: p.Arg38Gly; replaces arginine 38 with glycine.
Molecular consequence: missense variant.
Genome position (GRCh38, 1-based): chr1:160,344,748, A>G. VCF-style: chr1-160344748-A-G. GRCh37 (hg19) VCF-style: chr1-160314538-A-G.
Other names: c.52A>G, p.Arg18Gly (NM_001290184.2); c.112A>G, p.Arg38Gly (NM_001290186.2, NM_001349729.2); short protein forms R18G, R38G.
Identifiers: ClinVar variation 1465034 (VCV001465034.6), dbSNP rs137960789, ClinGen allele CA1198604.

ClinVar aggregate classification (germline): Uncertain significance (1 of 4 stars; one submission).

Allele frequency attached by ClinVar (database versions not stated): gnomAD exomes below 0.00001 and 0.00002; gnomAD 0.00001 and 0.00002; ExAC 0.00002; TOPMed 0.00003; ESP Exome Variant Server 0.00008.
gnomAD v4.1: 11 of 1,614,020 alleles (0.00068%); highest among the groups gnomAD compares: Middle Eastern, 0.016%; no homozygotes.

Submission:

Labcorp Genetics (formerly Invitae), Labcorp
Classification: Uncertain significance. Last evaluated: 2023-11-28. Review status: criteria provided, single submitter. Criteria: Invitae Variant Classification Sherloc (09022015). Collection method: clinical testing. Allele origin: germline.
Comment: This sequence change replaces arginine, which is basic and polar, with glycine, which is neutral and non-polar, at codon 38 of the NCSTN protein (p.Arg38Gly). This variant is present in population databases (rs137960789, gnomAD 0.003%). This variant has not been reported in the literature in individuals affected with NCSTN-related conditions. ClinVar contains an entry for this variant (Variation ID: 1465034). Advanced modeling of protein sequence and biophysical properties (such as structural, functional, and spatial information, amino acid conservation, physicochemical variation, residue mobility, and thermodynamic stability) performed at Invitae indicates that this missense variant is not expected to disrupt NCSTN protein function with a negative predictive value of 80%. Algorithms developed to predict the effect of sequence changes on RNA splicing suggest that this variant may disrupt the consensus splice site. In summary, the available evidence is currently insufficient to determine the role of this variant in disease. Therefore, it has been classified as a Variant of Uncertain Significance.